The following is an entry in ClinVar:

ClinVar aggregate classification (germline): Uncertain significance (1 of 4 stars; one submission).

Conditions:
Autosomal dominant limb-girdle muscular dystrophy type 1G (LGMDD3). Also called: MUSCULAR DYSTROPHY, LIMB-GIRDLE, AUTOSOMAL DOMINANT 3; Limb-girdle muscular dystrophy, type 1G. Identifiers: Orphanet 55596, MedGen C1836765, MONDO:0012193, OMIM 609115.

Submission:

Labcorp Genetics (formerly Invitae), Labcorp
Classification: Uncertain significance for Autosomal dominant limb-girdle muscular dystrophy type 1G. Last evaluated: 2024-07-24. Review status: criteria provided, single submitter. Criteria: Invitae Variant Classification Sherloc (09022015). Collection method: clinical testing. Allele origin: germline.
Comment: This sequence change affects codon 204 of the HNRNPDL mRNA. It is a 'silent' change, meaning that it does not change the encoded amino acid sequence of the HNRNPDL protein. This variant also falls at the last nucleotide of exon 2, which is part of the consensus splice site for this exon. This variant is not present in population databases (gnomAD no frequency). This variant has not been reported in the literature in individuals affected with HNRNPDL-related conditions. Variants that disrupt the consensus splice site are a relatively common cause of aberrant splicing (PMID: 17576681, 9536098). Algorithms developed to predict the effect of sequence changes on RNA splicing suggest that this variant may disrupt the consensus splice site. In summary, the available evidence is currently insufficient to determine the role of this variant in disease. Therefore, it has been classified as a Variant of Uncertain Significance.

Literature cited by the submitters: PubMed 17576681; PubMed 9536098.

NM_031372.4(HNRNPDL):c.612G>A (p.Lys204=)

Gene: HNRNPDL (heterogeneous nuclear ribonucleoprotein D like; minus strand). Cytogenetic location: 4q21.22.
Variant type: single nucleotide variant.
Coding change: c.612G>A on transcript NM_031372.4 (MANE Select); coding-DNA position 612, G replaced by A.
Protein change: p.Lys204=; no amino-acid change (lysine 204 retained).
Molecular consequence: synonymous variant. On other transcripts: non-coding transcript variant (1).
Genome position (GRCh38, 1-based): chr4:82,428,278, C>T on the plus strand (G>A on the coding strand, the complement: HNRNPDL is on the minus strand). VCF-style: chr4-82428278-C-T. GRCh37 (hg19) VCF-style: chr4-83349431-C-T.
Other names: c.612G>A, p.Lys204= (NM_001207000.1).
Identifiers: ClinVar variation 3699444 (VCV003699444.2).